The following is an entry in ClinVar:

ClinVar aggregate classification (germline): Uncertain significance. Review status: criteria provided, multiple submitters, no conflicts (2 of 4 stars). 3 submissions from 3 submitters: Uncertain significance (2). 1 of the submissions does not count toward it. Last evaluated 2022-06-01.

Conditions:
KLHL3-related disorder. Also called: KLHL3-related condition.
Inborn genetic diseases. Identifiers: MedGen C0950123, MeSH D030342.

Allele frequency attached by ClinVar (database versions not stated): ExAC 0.00001; gnomAD 0.00001; gnomAD exomes 0.00002; TOPMed 0.00002; ESP Exome Variant Server 0.00008.
gnomAD v4.1: 31 of 1,614,052 alleles (0.0019%); highest among the groups gnomAD compares: South Asian, 0.0044%; no homozygotes.

Submissions (3):

Labcorp Genetics (formerly Invitae), Labcorp
Classification: Uncertain significance. Last evaluated: 2022-06-01. Review status: criteria provided, single submitter. Criteria: Invitae Variant Classification Sherloc (09022015). Collection method: clinical testing. Allele origin: germline.
Comment: Algorithms developed to predict the effect of missense changes on protein structure and function (SIFT, PolyPhen-2, Align-GVGD) all suggest that this variant is likely to be tolerated. In summary, the available evidence is currently insufficient to determine the role of this variant in disease. Therefore, it has been classified as a Variant of Uncertain Significance. This variant has not been reported in the literature in individuals affected with KLHL3-related conditions. This variant is present in population databases (rs201705869, gnomAD 0.007%). This sequence change replaces glutamic acid, which is acidic and polar, with lysine, which is basic and polar, at codon 20 of the KLHL3 protein (p.Glu20Lys).

Ambry Genetics
Classification: Uncertain significance for Inborn genetic diseases. Last evaluated: 2021-12-13. Review status: criteria provided, single submitter. Criteria: Ambry Variant Classification Scheme 2023. Collection method: clinical testing. Allele origin: germline.

PreventionGenetics, part of Exact Sciences
Classification: Uncertain significance for KLHL3-related condition. Last evaluated: 2023-12-15. Review status: no assertion criteria provided. Collection method: clinical testing. Allele origin: germline. Not counted in ClinVar's aggregate classification.
Comment: The KLHL3 c.58G>A variant is predicted to result in the amino acid substitution p.Glu20Lys. To our knowledge, this variant has not been reported in the literature. This variant is reported in 0.0062% of alleles in individuals of African descent in gnomAD. At this time, the clinical significance of this variant is uncertain due to the absence of conclusive functional and genetic evidence.

NM_017415.3(KLHL3):c.58G>A (p.Glu20Lys)

Gene: KLHL3 (kelch like family member 3; minus strand). Cytogenetic location: 5q31.2.
Variant type: single nucleotide variant.
Coding change: c.58G>A on transcript NM_017415.3 (MANE Select); coding-DNA position 58, G replaced by A.
Protein change: p.Glu20Lys; replaces glutamic acid 20 with lysine.
Molecular consequence: missense variant. On other transcripts: 5 prime UTR variant (1).
Genome position (GRCh38, 1-based): chr5:137,720,541, C>T on the plus strand (G>A on the coding strand, the complement: KLHL3 is on the minus strand). VCF-style: chr5-137720541-C-T. GRCh37 (hg19) VCF-style: chr5-137056230-C-T.
Other names: c.58G>A (NM_017415.2); c.-39G>A (NM_001257194.1); short protein forms E20K.
Identifiers: ClinVar variation 2173479 (VCV002173479.8), dbSNP rs201705869, ClinGen allele CA3422580.